The following is an entry in ClinVar:

NM_002692.4(POLE2):c.985C>T (p.Pro329Ser)

Gene: POLE2 (DNA polymerase epsilon 2, accessory subunit; minus strand). Cytogenetic location: 14q21.3.
Variant type: single nucleotide variant.
Coding change: c.985C>T on transcript NM_002692.4 (MANE Select); coding-DNA position 985, C replaced by T.
Protein change: p.Pro329Ser; replaces proline 329 with serine.
Molecular consequence: missense variant.
Genome position (GRCh38, 1-based): chr14:49,655,038, G>A on the plus strand (C>T on the coding strand, the complement: POLE2 is on the minus strand). VCF-style: chr14-49655038-G-A. GRCh37 (hg19) VCF-style: chr14-50121756-G-A.
Other names: c.907C>T, p.Pro303Ser (NM_001197330.2); c.985C>T, p.Pro329Ser (NM_001197331.3, NM_001348384.2); c.754C>T, p.Pro252Ser (NM_001348385.2); short protein forms P329S, P303S, P252S.
Identifiers: ClinVar variation 4764649 (VCV004764649.1).

ClinVar aggregate classification (germline): Uncertain significance (1 of 4 stars; one submission).

Submission:

Labcorp Genetics (formerly Invitae), Labcorp
Classification: Uncertain significance. Last evaluated: 2025-12-25. Review status: criteria provided, single submitter. Criteria: Invitae Variant Classification Sherloc (09022015). Collection method: clinical testing. Allele origin: germline.
Comment: This sequence change replaces proline, which is neutral and non-polar, with serine, which is neutral and polar, at codon 329 of the POLE2 protein (p.Pro329Ser). This variant is not present in population databases (gnomAD no frequency). This variant has not been reported in the literature in individuals affected with POLE2-related conditions. An algorithm developed to predict the effect of missense changes on protein structure and function (PolyPhen-2) suggests that this variant is likely to be disruptive. In summary, the available evidence is currently insufficient to determine the role of this variant in disease. Therefore, it has been classified as a Variant of Uncertain Significance.